The following is an entry in ClinVar:

ClinVar aggregate classification (germline): Pathogenic. Review status: criteria provided, multiple submitters, no conflicts (2 of 4 stars). 4 submissions from 4 submitters: Pathogenic (4). Last evaluated 2025-04-30.

Conditions:
Autosomal recessive spinocerebellar ataxia 10. Identifiers: Orphanet 284289, MedGen C3150998, MONDO:0013392, OMIM 613728.

Allele frequency attached by ClinVar (database versions not stated): gnomAD 0.00001.
gnomAD v4.1: 3 of 1,562,862 alleles (0.00019%); highest among the groups gnomAD compares: East Asian, 0.0024%; no homozygotes.

Submissions (4):

Myriad Genetics, Inc.
Classification: Pathogenic for Autosomal recessive spinocerebellar ataxia 10. Last evaluated: 2025-04-30. Review status: criteria provided, single submitter. Criteria: Myriad Autosomal Dominant, Autosomal Recessive and X-Linked Classification Criteria (2023). Collection method: clinical testing. Allele origin: unknown.
Comment: NM_018075.3(ANO10):c.1244C>G(S415*) is expected to be pathogenic in the context of spinocerebellar ataxia, ANO10-related. This variant is predicted to lead to an abnormal or absent protein product due to the creation of a premature termination codon in ANO10, a gene where loss-of-function variants are known to be pathogenic. Please note: this variant was assessed in the context of healthy population screening.

Fulgent Genetics
Classification: Pathogenic for Autosomal recessive spinocerebellar ataxia 10. Last evaluated: 2024-03-28. Review status: criteria provided, single submitter. Criteria: ACMG Guidelines, 2015. Collection method: clinical testing. Allele origin: germline.

Labcorp Genetics (formerly Invitae), Labcorp
Classification: Pathogenic. Last evaluated: 2023-03-07. Review status: criteria provided, single submitter. Criteria: Invitae Variant Classification Sherloc (09022015). Collection method: clinical testing. Allele origin: germline.
Comment: For these reasons, this variant has been classified as Pathogenic. This premature translational stop signal has been observed in individual(s) with spinocerebellar ataxia (PMID: 32319254). This variant is not present in population databases (gnomAD no frequency). This sequence change creates a premature translational stop signal (p.Ser415*) in the ANO10 gene. It is expected to result in an absent or disrupted protein product. Loss-of-function variants in ANO10 are known to be pathogenic (PMID: 25089919).

Juno Genomics, Hangzhou Juno Genomics, Inc
Classification: Pathogenic for Autosomal recessive spinocerebellar ataxia 10. Review status: criteria provided, single submitter. Criteria: ACMG Guidelines, 2015. Collection method: clinical testing. Allele origin: germline.
Comment: Absent from controls (or at extremely low frequency if recessive) in Genome Aggregation Database.;Null variant in a gene where loss of function (LOF) is a known mechanism of disease.;For recessive disorders, detected in trans with a pathogenic variant.

Literature cited by the submitters: PubMed 32319254 (cited by Labcorp Genetics (formerly Invitae), Labcorp); PubMed 25089919 (cited by Labcorp Genetics (formerly Invitae), Labcorp).

NM_018075.5(ANO10):c.1244C>G (p.Ser415Ter)

Gene: ANO10 (anoctamin 10; minus strand). Cytogenetic location: 3p22.1.
Variant type: single nucleotide variant.
Coding change: c.1244C>G on transcript NM_018075.5 (MANE Select); coding-DNA position 1244, C replaced by G.
Protein change: p.Ser415Ter; replaces serine 415 with a stop codon.
Molecular consequence: nonsense.
Genome position (GRCh38, 1-based): chr3:43,565,702, G>C on the plus strand (C>G on the coding strand, the complement: ANO10 is on the minus strand). VCF-style: chr3-43565702-G-C. GRCh37 (hg19) VCF-style: chr3-43607194-G-C.
Other names: c.1244C>G, p.Ser415Ter (NM_001204831.3, NM_001346463.2, NM_001346464.2 and 3 more transcripts); c.1046C>G, p.Ser349Ter (NM_001204832.3, NM_001346466.2, NM_001346469.2); c.911C>G, p.Ser304Ter (NM_001204833.3); c.674C>G, p.Ser225Ter (NM_001204834.3); short protein forms S225*, S304*, S415*, S349*.
Identifiers: ClinVar variation 2982219 (VCV002982219.7), dbSNP rs773766788, ClinGen allele CA352342825.